The following is an entry in ClinVar:

ClinVar aggregate classification (germline): Uncertain significance. Review status: criteria provided, multiple submitters, no conflicts (2 of 4 stars). 2 submissions from 2 submitters: Uncertain significance (2). Last evaluated 2022-02-24.

Submissions (2):

Labcorp Genetics (formerly Invitae), Labcorp
Classification: Uncertain significance. Last evaluated: 2022-02-24. Review status: criteria provided, single submitter. Criteria: Invitae Variant Classification Sherloc (09022015). Collection method: clinical testing. Allele origin: germline.
Comment: This sequence change replaces proline, which is neutral and non-polar, with serine, which is neutral and polar, at codon 236 of the TUBGCP6 protein (p.Pro236Ser). This variant is not present in population databases (gnomAD no frequency). This variant has not been reported in the literature in individuals affected with TUBGCP6-related conditions. ClinVar contains an entry for this variant (Variation ID: 809384). Algorithms developed to predict the effect of missense changes on protein structure and function are either unavailable or do not agree on the potential impact of this missense change (SIFT: "Deleterious"; PolyPhen-2: "Benign"; Align-GVGD: "Class C0"). In summary, the available evidence is currently insufficient to determine the role of this variant in disease. Therefore, it has been classified as a Variant of Uncertain Significance.

CeGaT Center for Human Genetics Tuebingen
Classification: Uncertain significance. Last evaluated: 2018-06-01. Review status: criteria provided, single submitter. Criteria: CeGaT Center For Human Genetics Tuebingen Variant Classification Criteria Version 2. Collection method: clinical testing. Allele origin: germline. Affected: yes. Observed: 1 variant allele.

NM_020461.4(TUBGCP6):c.706C>T (p.Pro236Ser)

Gene: TUBGCP6 (tubulin gamma complex component 6; minus strand). Cytogenetic location: 22q13.33.
Variant type: single nucleotide variant.
Coding change: c.706C>T on transcript NM_020461.4 (MANE Select); coding-DNA position 706, C replaced by T.
Protein change: p.Pro236Ser; replaces proline 236 with serine.
Molecular consequence: missense variant.
Genome position (GRCh38, 1-based): chr22:50,243,754, G>A on the plus strand (C>T on the coding strand, the complement: TUBGCP6 is on the minus strand). VCF-style: chr22-50243754-G-A. GRCh37 (hg19) VCF-style: chr22-50682183-G-A.
Other names: short protein forms P236S.
Identifiers: ClinVar variation 809384 (VCV000809384.43), dbSNP rs1601612319, ClinGen allele CA412114240.
Genomic context (GRCh38, chr22:50,243,754, plus strand): 5'-AAAGAGGAAAAACTAAACATTCTACCTTAATAGCCAGCCCAGAGAGGTCCGCATTGTCTG[G>A]CACGGGGGGCAGGCCCAGTCGGACGTCCATGTCATAAGTGCGGCTGTGCACAAGGGCCCC-3'
Protein context (NP_065194.3, residues 226-246): MDVRLGLPPV[Pro236Ser]DNADLSGLAI